The following is an entry in ClinVar:

ClinVar aggregate classification (germline): Uncertain significance. Review status: criteria provided, multiple submitters, no conflicts (2 of 4 stars). 2 submissions from 2 submitters: Uncertain significance (2). Last evaluated 2022-06-15.

Conditions:
Familial hypobetalipoproteinemia 1. Also called: APOB-Related Familial Hypobetalipoproteinemia; Hypobetalipoproteinemia, normotriglyceridemic; Acanthocytosis with hypobetalipoproteinemia. Identifiers: MedGen C4551990, MONDO:0014252, OMIM 615558.
Hypercholesterolemia, autosomal dominant, type B (FHCL2). Also called: Hyperlipoproteinemia Type IIb; Familial hypercholesterolemia 2; Familial Hypercholesterolemia Type B; APOLIPOPROTEIN B-100, FAMILIAL DEFECTIVE; APOLIPOPROTEIN B-100, FAMILIAL LIGAND-DEFECTIVE; HYPERCHOLESTEROLEMIA, FAMILIAL, DUE TO LIGAND-DEFECTIVE APOLIPOPROTEIN B. Identifiers: MedGen C1704417, MONDO:0007751, OMIM 144010.
Cardiovascular phenotype. Identifiers: MedGen CN230736.

Allele frequency attached by ClinVar (database versions not stated): ExAC 0.00001; gnomAD exomes below 0.00001.
gnomAD v4.1: 2 of 1,614,166 alleles (0.00012%); highest among the groups gnomAD compares: Non-Finnish European, 0.00017%; no homozygotes.

Submissions (2):

New York Genome Center
Classification: Uncertain significance for Familial hypobetalipoproteinemia 1; Hypercholesterolemia, autosomal dominant, type B. Last evaluated: 2022-06-15. Review status: criteria provided, single submitter. Criteria: NYGC Assertion Criteria 2020. Collection method: clinical testing. Allele origin: germline. Observed: 1 variant allele.
Comment: The c.3514G>A p.(Glu1172Lys) variant identified in the APOB gene is predicted to result in the substitution of a Glutamic Acid for Lysineat amino acid 1172/4564 (exon 23/29). This variant is found with low frequency in population databases gnomAD, BRAVO-TOPMed Freeze 8, All of Us (allele frequency=3.98e-6) suggesting it is not a common benign variant in the populations represented in those databases. In silico algorithms do not predict a damaging effect to the function of the canonical protein (REVEL=0.109). This variant is absent from ClinVar and to our current knowledge has not been reported in affected individuals in the literature. Given the lack of compelling evidence for its pathogenicity, the c.3514G>A p.(Glu1172Lys) variant identified in the APOB gene is reported as a Variant of Uncertain Significance.

Ambry Genetics
Classification: Uncertain significance for Cardiovascular phenotype. Last evaluated: 2022-02-21. Review status: criteria provided, single submitter. Criteria: Ambry Variant Classification Scheme 2023. Collection method: clinical testing. Allele origin: germline.
Comment: The p.E1172K variant (also known as c.3514G>A), located in coding exon 23 of the APOB gene, results from a G to A substitution at nucleotide position 3514. The glutamic acid at codon 1172 is replaced by lysine, an amino acid with similar properties. This amino acid position is conserved. In addition, this alteration is predicted to be tolerated by in silico analysis. Since supporting evidence is limited at this time, the clinical significance of this alteration remains unclear.

NM_000384.3(APOB):c.3514G>A (p.Glu1172Lys)

Gene: APOB (apolipoprotein B; minus strand). Cytogenetic location: 2p24.1.
Variant type: single nucleotide variant.
Coding change: c.3514G>A on transcript NM_000384.3 (MANE Select); coding-DNA position 3514, G replaced by A.
Protein change: p.Glu1172Lys; replaces glutamic acid 1172 with lysine.
Molecular consequence: missense variant.
Genome position (GRCh38, 1-based): chr2:21,015,255, C>T on the plus strand (G>A on the coding strand, the complement: APOB is on the minus strand). VCF-style: chr2-21015255-C-T. GRCh37 (hg19) VCF-style: chr2-21238127-C-T.
Other names: short protein forms E1172K.
Identifiers: ClinVar variation 1732193 (VCV001732193.4), dbSNP rs771182405, ClinGen allele CA059122.